The following is an entry in ClinVar:

NM_012123.4(MTO1):c.37G>A (p.Val13Ile)

Gene: MTO1 (mitochondrial tRNA translation optimization 1; plus strand). Cytogenetic location: 6q13.
Variant type: single nucleotide variant.
Coding change: c.37G>A on transcript NM_012123.4 (MANE Select); coding-DNA position 37, G replaced by A.
Protein change: p.Val13Ile; replaces valine 13 with isoleucine.
Molecular consequence: missense variant.
Genome position (GRCh38, 1-based): chr6:73,461,891, G>A. VCF-style: chr6-73461891-G-A. GRCh37 (hg19) VCF-style: chr6-74171614-G-A.
Other names: c.37G>A, p.Val13Ile (NM_001123226.2, NM_133645.3); c.37G>A (NM_001123226.1); short protein forms V13I.
Identifiers: ClinVar variation 1396276 (VCV001396276.4), dbSNP rs866899975, ClinGen allele CA140948522.

ClinVar aggregate classification (germline): Uncertain significance. Review status: criteria provided, multiple submitters, no conflicts (2 of 4 stars). 2 submissions from 2 submitters: Uncertain significance (2). Last evaluated 2025-02-27.

Conditions:
Mitochondrial hypertrophic cardiomyopathy with lactic acidosis due to MTO1 deficiency. Also called: CARDIOMYOPATHY, INFANTILE HYPERTROPHIC MITOCHONDRIAL, AND LACTIC ACIDOSIS; Combined oxidative phosphorylation deficiency 10. Identifiers: Orphanet 314637, MedGen C4749921, MONDO:0013865, OMIM 614702.
Inborn genetic diseases. Identifiers: MedGen C0950123, MeSH D030342.

Allele frequency attached by ClinVar (database versions not stated): gnomAD exomes below 0.00001 and 0.00001; gnomAD 0.00001.
gnomAD v4.1: 4 of 1,613,956 alleles (0.00025%); highest among the groups gnomAD compares: Middle Eastern, 0.016%; no homozygotes.

Submissions (2):

Ambry Genetics
Classification: Uncertain significance for Inborn genetic diseases. Last evaluated: 2025-02-27. Review status: criteria provided, single submitter. Criteria: Ambry Variant Classification Scheme 2023. Collection method: clinical testing. Allele origin: germline.

Labcorp Genetics (formerly Invitae), Labcorp
Classification: Uncertain significance for Mitochondrial hypertrophic cardiomyopathy with lactic acidosis due to MTO1 deficiency. Last evaluated: 2022-03-08. Review status: criteria provided, single submitter. Criteria: Invitae Variant Classification Sherloc (09022015). Collection method: clinical testing. Allele origin: germline.
Comment: This sequence change replaces valine, which is neutral and non-polar, with isoleucine, which is neutral and non-polar, at codon 13 of the MTO1 protein (p.Val13Ile). This variant is present in population databases (no rsID available, gnomAD no frequency). This variant has not been reported in the literature in individuals affected with MTO1-related conditions. Algorithms developed to predict the effect of missense changes on protein structure and function (SIFT, PolyPhen-2, Align-GVGD) all suggest that this variant is likely to be tolerated. In summary, the available evidence is currently insufficient to determine the role of this variant in disease. Therefore, it has been classified as a Variant of Uncertain Significance.